The following is an entry in ClinVar:

NM_030632.3(ASXL3):c.5353A>T (p.Thr1785Ser)

Gene: ASXL3 (ASXL transcriptional regulator 3; plus strand). Cytogenetic location: 18q12.1.
Variant type: single nucleotide variant.
Coding change: c.5353A>T on transcript NM_030632.3 (MANE Select); coding-DNA position 5353, A replaced by T.
Protein change: p.Thr1785Ser; replaces threonine 1785 with serine.
Molecular consequence: missense variant.
Genome position (GRCh38, 1-based): chr18:33,745,201, A>T. VCF-style: chr18-33745201-A-T. GRCh37 (hg19) VCF-style: chr18-31325165-A-T.
Other names: short protein forms T1785S.
Identifiers: ClinVar variation 1699731 (VCV001699731.3), dbSNP rs1211678675, ClinGen allele CA402193959.

ClinVar aggregate classification (germline): Likely benign (1 of 4 stars; one submission).

Allele frequency attached by ClinVar (database versions not stated): gnomAD 0.00001; TOPMed below 0.00001; gnomAD exomes below 0.00001.

Submission:

GeneDx
Classification: Likely benign. Last evaluated: 2023-11-17. Review status: criteria provided, single submitter. Criteria: GeneDx Variant Classification Process June 2021. Collection method: clinical testing. Allele origin: germline.
Comment: See Variant Classification Assertion Criteria.